The following is an entry in ClinVar:

NM_007272.3(CTRC):c.110G>A (p.Arg37Gln)

Gene: CTRC (chymotrypsin C; plus strand). Cytogenetic location: 1p36.21.
Variant type: single nucleotide variant.
Coding change: c.110G>A on transcript NM_007272.3 (MANE Select); coding-DNA position 110, G replaced by A.
Protein change: p.Arg37Gln; replaces arginine 37 with glutamine.
Molecular consequence: missense variant.
Genome position (GRCh38, 1-based): chr1:15,440,369, G>A. VCF-style: chr1-15440369-G-A. GRCh37 (hg19) VCF-style: chr1-15766865-G-A.
Other names: short protein forms R37Q.
Identifiers: ClinVar variation 240762 (VCV000240762.30), dbSNP rs145868278, ClinGen allele CA613218.

ClinVar aggregate classification (germline): Benign/Likely benign. Review status: criteria provided, multiple submitters, no conflicts (2 of 4 stars). 5 submissions from 5 submitters: Benign (1); Likely benign (4). Last evaluated 2026-01-13.

Conditions:
CTRC-related disorder. Also called: CTRC-related condition.
Hereditary pancreatitis (PCTT). Also called: PRSS1-Related Hereditary Pancreatitis; Hereditary chronic pancreatitis. Identifiers: Orphanet 676, MedGen C0238339, MONDO:0008185, OMIM 167800.

Allele frequency attached by ClinVar (database versions not stated): gnomAD 0.00032; gnomAD exomes 0.00038; TOPMed 0.00049; ExAC 0.00054; ESP Exome Variant Server 0.00062.
gnomAD v4.1: 860 of 1,612,104 alleles (0.053%); highest among the groups gnomAD compares: Non-Finnish European, 0.068%; 2 homozygotes.

Submissions (5):

Labcorp Genetics (formerly Invitae), Labcorp
Classification: Likely benign for Hereditary pancreatitis. Last evaluated: 2026-01-13. Review status: criteria provided, single submitter. Criteria: Invitae Variant Classification Sherloc (09022015). Collection method: clinical testing. Allele origin: germline.

ARUP Laboratories, Molecular Genetics and Genomics, ARUP Laboratories
Classification: Likely benign for Hereditary pancreatitis. Last evaluated: 2025-04-08. Review status: criteria provided, single submitter. Criteria: ARUP Molecular Germline Variant Investigation Process 2024. Collection method: clinical testing. Allele origin: germline.

PreventionGenetics, part of Exact Sciences
Classification: Likely benign for CTRC-related condition. Last evaluated: 2025-01-06. Review status: criteria provided, single submitter. Criteria: ACMG Guidelines, 2015. Collection method: clinical testing. Allele origin: germline.
Comment: This variant is classified as likely benign based on ACMG/AMP sequence variant interpretation guidelines (Richards et al. 2015 PMID: 25741868, with internal and published modifications).

Illumina Laboratory Services, Illumina
Classification: Likely benign for Hereditary pancreatitis. Last evaluated: 2017-04-27. Review status: criteria provided, single submitter. Criteria: ICSL Variant Classification Criteria 13 December 2019. Collection method: clinical testing. Allele origin: germline.
Comment: This variant was observed as part of a predisposition screen in an ostensibly healthy population. A literature search was performed for the gene, cDNA change, and amino acid change (where applicable). Publications were found based on this search. The evidence from the literature, in combination with allele frequency data from public databases where available, was sufficient to determine this variant is unlikely to cause disease. Therefore, this variant is classified as likely benign.

Ambry Genetics
Classification: Benign for Hereditary pancreatitis. Last evaluated: 2016-02-29. Review status: criteria provided, single submitter. Criteria: Ambry Variant Classification Scheme 2023. Collection method: clinical testing. Allele origin: germline.

Literature cited by the submitters: PubMed 21631589 (cited by Illumina Laboratory Services, Illumina); PubMed 18059268 (cited by Illumina Laboratory Services, Illumina).